The following is an entry in ClinVar:

NM_002516.4(NOVA2):c.102C>A (p.Phe34Leu)

Gene: NOVA2 (NOVA alternative splicing regulator 2; minus strand). Cytogenetic location: 19q13.32.
Variant type: single nucleotide variant.
Coding change: c.102C>A on transcript NM_002516.4 (MANE Select); coding-DNA position 102, C replaced by A.
Protein change: p.Phe34Leu; replaces phenylalanine 34 with leucine.
Molecular consequence: missense variant.
Genome position (GRCh38, 1-based): chr19:45,961,137, G>T on the plus strand (C>A on the coding strand, the complement: NOVA2 is on the minus strand). VCF-style: chr19-45961137-G-T. GRCh37 (hg19) VCF-style: chr19-46464395-G-T.
Other names: short protein forms F34L.
Identifiers: ClinVar variation 3252546 (VCV003252546.1), dbSNP rs2513865946.
Genomic context (GRCh38, chr19:45,961,137, plus strand): 5'-GGTCTGCCCGCCCTTGCCAATGATGGAGCCCGCCGCGTAGCTGGGGATCAGCACCTTCAG[G>T]AAGTATTCGCCTTCCTCTGCGGGGGCACACAGGGTGGAGGGGAGTCAGCGGGGGAGGGGT-3'
Protein context (NP_002507.1, residues 24-44): RSNTGEEGEY[Phe34Leu]LKVLIPSYAA

ClinVar aggregate classification (germline): Uncertain significance (1 of 4 stars; one submission).

Submission:

GeneDx
Classification: Uncertain significance. Last evaluated: 2023-12-07. Review status: criteria provided, single submitter. Criteria: GeneDx Variant Classification Process June 2021. Collection method: clinical testing. Allele origin: germline. Affected: yes.
Comment: Not observed at significant frequency in large population cohorts (gnomAD); In silico analysis supports that this missense variant has a deleterious effect on protein structure/function; Has not been previously published as pathogenic or benign to our knowledge